The following is an entry in ClinVar:

NM_001754.5(RUNX1):c.50T>C (p.Phe17Ser)

Gene: RUNX1 (RUNX family transcription factor 1; minus strand). Cytogenetic location: 21q22.12.
Variant type: single nucleotide variant.
Coding change: c.50T>C on transcript NM_001754.5 (MANE Select); coding-DNA position 50, T replaced by C.
Protein change: p.Phe17Ser; replaces phenylalanine 17 with serine.
Molecular consequence: missense variant.
Genome position (GRCh38, 1-based): chr21:35,048,850, A>G on the plus strand (T>C on the coding strand, the complement: RUNX1 is on the minus strand). VCF-style: chr21-35048850-A-G. GRCh37 (hg19) VCF-style: chr21-36421147-A-G.
Other names: short protein forms F17S.
Identifiers: ClinVar variation 5028569 (VCV005028569.1).
Genomic context (GRCh38, chr21:35,048,850, plus strand): 5'-TTACAGGCAAAGCTGAGCAAAAGTAGATATTACAAGACCAGCATGTACTCACCTCTCATG[A>G]AGCACTGTGGGTACGAAGGAAATGACTCAAATATGCTGTCTGAAGCCATCGCTTCCTCCT-3'
Protein context (NP_001745.2, residues 7-27): FESFPSYPQC[Phe17Ser]MRECILGMNP

ClinVar aggregate classification (germline): Uncertain significance (1 of 4 stars; one submission).

Conditions:
Inborn genetic diseases. Identifiers: MedGen C0950123, MeSH D030342.

Submission:

Ambry Genetics
Classification: Uncertain significance for Inborn genetic diseases. Last evaluated: 2026-07-05. Review status: criteria provided, single submitter. Criteria: Ambry Variant Classification Scheme 2023. Collection method: clinical testing. Allele origin: germline.
Comment: The p.F17S variant (also known as c.50T>C), located in coding exon 1 of the RUNX1 gene, results from a T to C substitution at nucleotide position 50. The phenylalanine at codon 17 is replaced by serine, an amino acid with highly dissimilar properties. This amino acid position is conserved. In addition, the in silico prediction for this alteration is inconclusive. Based on the available evidence, the clinical significance of this variant remains unclear.